The following is an entry in ClinVar:

NM_000543.5(SMPD1):c.946C>T (p.Pro316Ser)

Gene: SMPD1 (sphingomyelin phosphodiesterase 1; plus strand). Cytogenetic location: 11p15.4.
Variant type: single nucleotide variant.
Coding change: c.946C>T on transcript NM_000543.5 (MANE Select); coding-DNA position 946, C replaced by T.
Protein change: p.Pro316Ser; replaces proline 316 with serine.
Molecular consequence: missense variant. On other transcripts: 5 prime UTR variant (1), non-coding transcript variant (1).
Genome position (GRCh38, 1-based): chr11:6,392,011, C>T. VCF-style: chr11-6392011-C-T. GRCh37 (hg19) VCF-style: chr11-6413241-C-T.
Other names: c.943C>T, p.Pro315Ser (NM_001007593.3); c.946C>T, p.Pro316Ser (NM_001318087.2, NM_001365135.2); c.-16C>T (NM_001318088.2); short protein forms P315S, P316S.
Identifiers: ClinVar variation 3902168 (VCV003902168.2).

ClinVar aggregate classification (germline): Uncertain significance. Review status: criteria provided, multiple submitters, no conflicts (2 of 4 stars). 2 submissions from 2 submitters: Uncertain significance (2). Last evaluated 2026-05-07.

Conditions:
Acid sphingomyelinase deficiency. Identifiers: Orphanet 618899, MedGen C5243927, MONDO:0100464.

Submissions (2):

Myriad Genetics, Inc.
Classification: Uncertain significance for Acid sphingomyelinase deficiency. Last evaluated: 2026-05-07. Review status: criteria provided, single submitter. Criteria: Myriad Autosomal Dominant, Autosomal Recessive and X-Linked Classification Criteria (2023). Collection method: clinical testing. Allele origin: unknown.
Comment: NM_000543.4(SMPD1):c.946C>T(P316S) is a missense variant classified as a variant of uncertain significance in the context of Niemann-Pick disease, SMPD1-related. P316S has been observed in a case with relevant disease (PMID: 35614200). Relevant functional assessments of this variant are not available in the literature. P316S has not been observed in referenced population frequency databases. In summary, there is insufficient evidence to classify NM_000543.4(SMPD1):c.946C>T(P316S) as pathogenic or benign. Please note: this variant was assessed in the context of healthy population screening.

Women's Health and Genetics/Laboratory Corporation of America, LabCorp
Classification: Uncertain significance. Last evaluated: 2025-05-16. Review status: criteria provided, single submitter. Criteria: LabCorp Variant Classification Summary - May 2015. Collection method: clinical testing. Allele origin: germline.
Comment: Variant summary: SMPD1 c.946C>T (p.Pro316Ser) results in a non-conservative amino acid change in the encoded protein sequence. Algorithms developed to predict the effect of missense changes on protein structure and function all suggest that this variant is likely to be disruptive. The variant was absent in 251462 control chromosomes. The available data on variant occurrences in the general population are insufficient to allow any conclusion about variant significance. c.946C>T has been observed in an study in identifying variants associated with metabolic diseases (Almeida_2022). These report(s) do not provide unequivocal conclusions about association of the variant with Niemann-Pick Disease. To our knowledge, no experimental evidence demonstrating an impact on protein function has been reported. The following publication have been ascertained in the context of this evaluation (PMID: 35614200). No submitters have cited clinical-significance assessments for this variant to ClinVar. Based on the evidence outlined above, the variant was classified as uncertain significance.

Literature cited by the submitters: PubMed 35614200 (cited by Myriad Genetics, Inc. and Women's Health and Genetics/Laboratory Corporation of America, LabCorp).